The following is an entry in ClinVar:

NM_024408.4(NOTCH2):c.4372A>G (p.Thr1458Ala)

Gene: NOTCH2 (notch receptor 2; minus strand). Cytogenetic location: 1p12.
Variant type: single nucleotide variant.
Coding change: c.4372A>G on transcript NM_024408.4 (MANE Select); coding-DNA position 4372, A replaced by G.
Protein change: p.Thr1458Ala; replaces threonine 1458 with alanine.
Molecular consequence: missense variant.
Genome position (GRCh38, 1-based): chr1:119,925,444, T>C on the plus strand (A>G on the coding strand, the complement: NOTCH2 is on the minus strand). VCF-style: chr1-119925444-T-C. GRCh37 (hg19) VCF-style: chr1-120468067-T-C.
Other names: short protein forms T1458A.
Identifiers: ClinVar variation 1405815 (VCV001405815.6), dbSNP rs1388647498, ClinGen allele CA341890074.

ClinVar aggregate classification (germline): Uncertain significance (1 of 4 stars; one submission).

Conditions:
Hajdu-Cheney syndrome (HJCYS). Also called: Acroosteolysis dominant type; ACROOSTEOLYSIS WITH OSTEOPOROSIS AND CHANGES IN SKULL AND MANDIBLE; SERPENTINE FIBULA-POLYCYSTIC KIDNEY SYNDROME. Identifiers: Orphanet 955, MedGen C0917715, MONDO:0007057, OMIM 102500.

Allele frequency attached by ClinVar (database versions not stated): gnomAD exomes below 0.00001; gnomAD 0.00001; TOPMed 0.00002.
gnomAD v4.1: 2 of 1,613,752 alleles (0.00012%); highest among the groups gnomAD compares: African/African-American, 0.0027%; no homozygotes.

Submission:

Labcorp Genetics (formerly Invitae), Labcorp
Classification: Uncertain significance for Hajdu-Cheney syndrome. Last evaluated: 2025-07-16. Review status: criteria provided, single submitter. Criteria: Invitae Variant Classification Sherloc (09022015). Collection method: clinical testing. Allele origin: germline.
Comment: This sequence change replaces threonine, which is neutral and polar, with alanine, which is neutral and non-polar, at codon 1458 of the NOTCH2 protein (p.Thr1458Ala). This variant is not present in population databases (gnomAD no frequency). This variant has not been reported in the literature in individuals affected with NOTCH2-related conditions. ClinVar contains an entry for this variant (Variation ID: 1405815). Invitae Evidence Modeling of protein sequence and biophysical properties (such as structural, functional, and spatial information, amino acid conservation, physicochemical variation, residue mobility, and thermodynamic stability) indicates that this missense variant is not expected to disrupt NOTCH2 protein function with a negative predictive value of 80%. In summary, the available evidence is currently insufficient to determine the role of this variant in disease. Therefore, it has been classified as a Variant of Uncertain Significance.